The following is an entry in ClinVar:

ClinVar aggregate classification (germline): Conflicting classifications of pathogenicity. Review status: criteria provided, conflicting classifications (1 of 4 stars). 7 submissions from 7 submitters: Uncertain significance (6); Likely benign (1). Last evaluated 2026-06-01.

Conditions:
ABCA4-related disorder. Also called: ABCA4-related disorders; ABCA4-related condition. Identifiers: MedGen CN239167.
Severe early-childhood-onset retinal dystrophy (STGD1). Also called: MACULAR DYSTROPHY WITH FLECKS, TYPE 1; STGD; Stargardt macular dystrophy; Juvenile onset macular degeneration; Stargardt disease 1. Identifiers: Orphanet 364055, Orphanet 827, MedGen C1855465, MeSH D000080362, MONDO:0009549, OMIM 248200.
Cone-rod dystrophy 3 (CORD3). Identifiers: Orphanet 1872, MedGen C1858806, MONDO:0011395, OMIM 604116.
Retinitis pigmentosa 19 (RP19). Also called: ABCA4-Related Retinitis Pigmentosa. Identifiers: Orphanet 791, MedGen C1866422, MONDO:0011137, OMIM 601718.
Age related macular degeneration 2. Also called: MACULAR DEGENERATION, SENILE; MACULOPATHY, AGE-RELATED, 2; MACULOPATHY, AGE-RELATED. Identifiers: MedGen C3495438, MONDO:0007932, OMIM 153800.

Allele frequency attached by ClinVar (database versions not stated): gnomAD 0.00005 and 0.00007; gnomAD exomes 0.00005 and 0.00012; ESP Exome Variant Server 0.00008; TOPMed 0.00009; ExAC 0.00011; 1000 Genomes Project 30x 0.00031; 1000 Genomes Project 0.00040.
gnomAD v4.1: 93 of 1,613,992 alleles (0.0058%); highest among the groups gnomAD compares: Middle Eastern, 0.05%; 1 homozygote.

Submissions (7):

CeGaT Center for Human Genetics Tuebingen
Classification: Uncertain significance. Last evaluated: 2026-06-01. Review status: criteria provided, single submitter. Criteria: CeGaT Center For Human Genetics Tuebingen Variant Classification Criteria Version 2. Collection method: clinical testing. Allele origin: germline. Affected: yes. Observed: 2 variant alleles.

PreventionGenetics, part of Exact Sciences
Classification: Uncertain significance for ABCA4-related condition. Last evaluated: 2025-11-03. Review status: criteria provided, single submitter. Criteria: ACMG Guidelines, 2015. Collection method: clinical testing. Allele origin: germline.
Comment: The ABCA4 c.4417C>A variant is predicted to result in the amino acid substitution p.Leu1473Met. This variant has been reported, in the heterozygous state along with a second potential causative variant, in at least two individuals with Stargardt disease (STGD); however, segregation analysis was not performed (see, for example, supplementary data, Del Pozo-Valero et al. 2022. PubMed ID: 35119454; Mucciolo et al. 2022. PubMed ID: 35156991). It has also been reported as a complex allele in cis, on the same allele, with R572X and with another ABCA4 variant on the opposite allele (trans) in two individuals with STGD (Stenirri et al. 2008. PubMed ID: 18652558). This variant is reported in 0.048% of alleles in individuals of Latino descent in gnomAD, including one homozygote. At this time, the clinical significance of this variant is uncertain due to the absence of conclusive functional and genetic evidence.

Labcorp Genetics (formerly Invitae), Labcorp
Classification: Likely benign. Last evaluated: 2025-10-07. Review status: criteria provided, single submitter. Criteria: Invitae Variant Classification Sherloc (09022015). Collection method: clinical testing. Allele origin: germline.

Blueprint Genetics
Classification: Uncertain significance. Last evaluated: 2024-02-26. Review status: criteria provided, single submitter. Criteria: ACMG Guidelines, 2015. Collection method: clinical testing. Allele origin: germline.

Mendelics
Classification: Uncertain significance. Last evaluated: 2022-05-04. Review status: criteria provided, single submitter. Criteria: Mendelics Assertion Criteria 2019. Collection method: clinical testing. Allele origin: germline.

Fulgent Genetics
Classification: Uncertain significance for Age related macular degeneration 2; Severe early-childhood-onset retinal dystrophy; Retinitis pigmentosa 19; Cone-rod dystrophy 3. Last evaluated: 2021-10-28. Review status: criteria provided, single submitter. Criteria: ACMG Guidelines, 2015. Collection method: clinical testing. Allele origin: unknown.

GeneDx
Classification: Uncertain significance. Last evaluated: 2020-12-17. Review status: criteria provided, single submitter. Criteria: GeneDx Variant Classification Process June 2021. Collection method: clinical testing. Allele origin: germline. Affected: yes.
Comment: In silico analysis supports that this missense variant does not alter protein structure/function; In-silico analysis, which includes splice predictors and evolutionary conservation, is inconclusive as to whether the variant alters gene splicing. In the absence of RNA/functional studies, the actual effect of this sequence change is unknown.; Observed with the R572X pathogenic variant on the same allele (in cis) and with another pathogenic variant on the opposite allele in patients with Stargardt disease in the published literature (Stenirri et al., 2008); Observed with the R572X pathogenic variant in additional patients with Stargardt disease in the published literature, but it is not known whether the variants occurred on the same (in cis) or on different (in trans) chromosomes in all cases (Passerini et al., 2010; Verdina et al., 2012; Sodi et al., 2016); This variant is associated with the following publications: (PMID: 26743751, 19265867, 18652558, 24409374)

NM_000350.3(ABCA4):c.4417C>A (p.Leu1473Met)

Gene: ABCA4 (ATP binding cassette subfamily A member 4; minus strand). Cytogenetic location: 1p22.1.
Variant type: single nucleotide variant.
Coding change: c.4417C>A on transcript NM_000350.3 (MANE Select); coding-DNA position 4417, C replaced by A.
Protein change: p.Leu1473Met; replaces leucine 1473 with methionine.
Molecular consequence: missense variant.
Genome position (GRCh38, 1-based): chr1:94,029,567, G>T on the plus strand (C>A on the coding strand, the complement: ABCA4 is on the minus strand). VCF-style: chr1-94029567-G-T. GRCh37 (hg19) VCF-style: chr1-94495123-G-T.
Other names: c.4195C>A, p.Leu1399Met (NM_001425324.1); short protein forms L1473M, L1399M.
Identifiers: ClinVar variation 546600 (VCV000546600.55), dbSNP rs142732109, ClinGen allele CA957608.
Genomic context (GRCh38, chr1:94,029,567, plus strand): 5'-TGGTGCTGCACCTGCAGGATGGTGAAGGGTTGACCTGTGTCCATTTCTGCTTCTGGAACA[G>T]CTGGGTGATGTTTGGGGACACAGAAGGAGTCTTCCAGGGTGTTGAGTTGCCACAGGGGTA-3'
Protein context (NP_000341.2, residues 1463-1483): TPSVSPNITQ[Leu1473Met]FQKQKWTQVN